The following is an entry in ClinVar:

NM_001042492.3(NF1):c.4331A>G (p.Lys1444Arg)

Gene: NF1 (neurofibromin 1; plus strand). Cytogenetic location: 17q11.2.
Variant type: single nucleotide variant.
Coding change: c.4331A>G on transcript NM_001042492.3 (MANE Select); coding-DNA position 4331, A replaced by G.
Protein change: p.Lys1444Arg; replaces lysine 1444 with arginine.
Molecular consequence: missense variant.
Genome position (GRCh38, 1-based): chr17:31,258,501, A>G. VCF-style: chr17-31258501-A-G. GRCh37 (hg19) VCF-style: chr17-29585519-A-G.
Other names: c.4268A>G, p.Lys1423Arg (NM_000267.4); short protein forms K1423R, K1444R.
Identifiers: ClinVar variation 68344 (VCV000068344.13), dbSNP rs199474781, ClinGen allele CA219558.

ClinVar aggregate classification (germline): Pathogenic. Review status: criteria provided, multiple submitters, no conflicts (2 of 4 stars). 6 submissions from 6 submitters: Pathogenic (5). 1 of the submissions does not count toward it. Last evaluated 2023-08-24.

Conditions:
Juvenile myelomonocytic leukemia (JMML). Also called: LEUKEMIA, JUVENILE MYELOMONOCYTIC, SOMATIC. Identifiers: Orphanet 86834, MedGen C0349639, MONDO:0011908, OMIM 607785, HP:0012209.
Neurofibromatosis, type 1 (NF1). Also called: VON RECKLINGHAUSEN DISEASE; NEUROFIBROMATOSIS, TYPE I, SOMATIC; Peripheral type neurofibromatosis; Neurofibromatosis, type I. Identifiers: Orphanet 636, MedGen C0027831, MONDO:0018975, OMIM 162200. Disease mechanism: loss of function.
NF1-related disorder. Also called: NF1-related condition. Identifiers: MedGen CN379171.

Submissions (6):

Baylor Genetics
Classification: Pathogenic for Juvenile myelomonocytic leukemia. Last evaluated: 2023-08-24. Review status: criteria provided, single submitter. Criteria: ACMG Guidelines, 2015. Collection method: clinical testing. Allele origin: unknown.

Labcorp Genetics (formerly Invitae), Labcorp
Classification: Pathogenic for Neurofibromatosis, type 1. Last evaluated: 2022-07-19. Review status: criteria provided, single submitter. Criteria: Invitae Variant Classification Sherloc (09022015). Collection method: clinical testing. Allele origin: germline.
Comment: This sequence change replaces lysine, which is basic and polar, with arginine, which is basic and polar, at codon 1423 of the NF1 protein (p.Lys1423Arg). This variant is not present in population databases (gnomAD no frequency). For these reasons, this variant has been classified as Pathogenic. This variant disrupts the p.Lys1423 amino acid residue in NF1. Other variant(s) that disrupt this residue have been determined to be pathogenic (PMID: 1568247, 11857752, 16786508, 23244495, 27322474). This suggests that this residue is clinically significant, and that variants that disrupt this residue are likely to be disease-causing. Algorithms developed to predict the effect of sequence changes on RNA splicing suggest that this variant may disrupt the consensus splice site. Experimental studies have shown that this missense change affects NF1 function (PMID: 8264648). Algorithms developed to predict the effect of missense changes on protein structure and function are either unavailable or do not agree on the potential impact of this missense change (SIFT: "Tolerated"; PolyPhen-2: "Probably Damaging"; Align-GVGD: "Class C0"). ClinVar contains an entry for this variant (Variation ID: 68344). This missense change has been observed in individuals with neurofibromatosis, type 1 (PMID: 11735023, 12822827). It has also been observed to segregate with disease in related individuals.

Genome-Nilou Lab
Classification: Pathogenic for Neurofibromatosis, type 1. Last evaluated: 2022-03-15. Review status: criteria provided, single submitter. Criteria: ACMG Guidelines, 2015. Collection method: clinical testing. Allele origin: germline. Affected: no.

Genome Diagnostics Laboratory, The Hospital for Sick Children
Classification: Pathogenic for Neurofibromatosis, type 1. Last evaluated: 2020-10-26. Review status: criteria provided, single submitter. Criteria: ACMG Guidelines, 2015. Collection method: clinical testing. Allele origin: germline. Affected: yes.

Blueprint Genetics
Classification: Pathogenic for NF1-related disorders. Last evaluated: 2020-10-20. Review status: criteria provided, single submitter. Criteria: ACMG Guidelines, 2015. Collection method: clinical testing. Allele origin: germline. Affected: yes. Observed: 1 variant allele.

UniProtKB/Swiss-Prot
No classification provided. Review status: no classification provided. Collection method: not provided. Allele origin: not provided. Not counted in ClinVar's aggregate classification.

Literature cited by the submitters: PubMed 1568247 (cited by Labcorp Genetics (formerly Invitae), Labcorp); PubMed 11857752 (cited by Labcorp Genetics (formerly Invitae), Labcorp); PubMed 16786508 (cited by Labcorp Genetics (formerly Invitae), Labcorp); PubMed 23244495 (cited by Labcorp Genetics (formerly Invitae), Labcorp); PubMed 27322474 (cited by Labcorp Genetics (formerly Invitae), Labcorp); PubMed 8264648 (cited by Labcorp Genetics (formerly Invitae), Labcorp); PubMed 11735023 (cited by Labcorp Genetics (formerly Invitae), Labcorp); PubMed 12822827 (cited by Labcorp Genetics (formerly Invitae), Labcorp).